The following is an entry in ClinVar:

NM_000038.6(APC):c.5392A>C (p.Asn1798His)

Gene: APC (APC regulator of Wnt signaling pathway; plus strand). Cytogenetic location: 5q22.2.
Variant type: single nucleotide variant.
Coding change: c.5392A>C on transcript NM_000038.6 (MANE Select); coding-DNA position 5392, A replaced by C.
Protein change: p.Asn1798His; replaces asparagine 1798 with histidine.
Molecular consequence: missense variant.
Genome position (GRCh38, 1-based): chr5:112,840,986, A>C. VCF-style: chr5-112840986-A-C. GRCh37 (hg19) VCF-style: chr5-112176683-A-C.
Other names: c.5392A>C, p.Asn1798His (NM_001127510.3, NM_001354895.2); c.5338A>C, p.Asn1780His (NM_001127511.3); c.5446A>C, p.Asn1816His (NM_001354896.2); c.5422A>C, p.Asn1808His (NM_001354897.2); c.5317A>C, p.Asn1773His (NM_001354898.2); c.5308A>C, p.Asn1770His (NM_001354899.2); c.5269A>C, p.Asn1757His (NM_001354900.2); c.5215A>C, p.Asn1739His (NM_001354901.2); and 5 more; short protein forms N1780H, N1798H, N1697H, N1707H, N1515H, N1816H, N1638H, N1757H.
Identifiers: ClinVar variation 438881 (VCV000438881.13), dbSNP rs200794097, ClinGen allele CA16033116.

ClinVar aggregate classification (germline): Uncertain significance. Review status: criteria provided, multiple submitters, no conflicts (2 of 4 stars). 4 submissions from 4 submitters: Uncertain significance (4). Last evaluated 2025-06-05.

Conditions:
Hereditary cancer-predisposing syndrome. Also called: Hereditary neoplastic syndrome; Hereditary Cancer Syndrome; Tumor predisposition; Neoplastic Syndromes, Hereditary. Identifiers: Orphanet 140162, MedGen C0027672, MeSH D009386, MONDO:0015356.
Familial adenomatous polyposis 1 (FAP1). Also called: POLYPOSIS, ADENOMATOUS INTESTINAL; FAMILIAL ADENOMATOUS POLYPOSIS 1, ATTENUATED. Identifiers: MedGen C2713442, MONDO:0021056, OMIM 175100. Disease mechanism: loss of function.

gnomAD v4.1: 1 of 1,612,416 alleles (0.000062%); highest among the groups gnomAD compares: Non-Finnish European, 0.000085%; no homozygotes.

Submissions (4):

Ambry Genetics
Classification: Uncertain significance for Hereditary cancer-predisposing syndrome. Last evaluated: 2025-06-05. Review status: criteria provided, single submitter. Criteria: Ambry Variant Classification Scheme 2023. Collection method: clinical testing. Allele origin: germline.
Comment: The p.N1798H variant (also known as c.5392A>C), located in coding exon 15 of the APC gene, results from an A to C substitution at nucleotide position 5392. The asparagine at codon 1798 is replaced by histidine, an amino acid with similar properties. This alteration was detected in 1/224 unrelated Brazilian individuals with breast cancer (Sandoval RL et al. PLoS One, 2021 Feb;16:e0247363). This amino acid position is well conserved in available vertebrate species. In addition, in silico predictors for this gene do not accurately predict pathogenicity. Missense alterations in APC are not a common cause of disease (Spier I et al. Genet Med. 2024 Feb;26(2):100992). Based on the available evidence, the clinical significance of this variant remains unclear.

Color Diagnostics, LLC DBA Color Health
Classification: Uncertain significance for Hereditary cancer-predisposing syndrome. Last evaluated: 2025-04-14. Review status: criteria provided, single submitter. Criteria: ACMG Guidelines, 2015. Collection method: clinical testing. Allele origin: germline.
Comment: This missense variant replaces asparagine with histidine at codon 1798 of the APC protein. Computational prediction suggests that this variant may not impact protein structure and function. To our knowledge, functional studies have not been reported for this variant. This variant has not been reported in individuals affected with APC-related disorders in the literature. This variant has not been identified in the general population by the Genome Aggregation Database (gnomAD). The available evidence is insufficient to determine the role of this variant in disease conclusively. Therefore, this variant is classified as a Variant of Uncertain Significance.

Labcorp Genetics (formerly Invitae), Labcorp
Classification: Uncertain significance for Familial adenomatous polyposis 1. Last evaluated: 2021-08-26. Review status: criteria provided, single submitter. Criteria: Invitae Variant Classification Sherloc (09022015). Collection method: clinical testing. Allele origin: germline.
Comment: In summary, the available evidence is currently insufficient to determine the role of this variant in disease. Therefore, it has been classified as a Variant of Uncertain Significance. Algorithms developed to predict the effect of missense changes on protein structure and function (SIFT, PolyPhen-2, Align-GVGD) all suggest that this variant is likely to be tolerated, but these predictions have not been confirmed by published functional studies and their clinical significance is uncertain. This variant has not been reported in the literature in individuals with APC-related conditions. ClinVar contains an entry for this variant (Variation ID: 438881). This variant is not present in population databases (ExAC no frequency). This sequence change replaces asparagine with histidine at codon 1798 of the APC protein (p.Asn1798His). The asparagine residue is highly conserved and there is a small physicochemical difference between asparagine and histidine.

Quest Diagnostics Nichols Institute San Juan Capistrano
Classification: Uncertain significance. Last evaluated: 2017-04-01. Review status: criteria provided, single submitter. Criteria: Quest Diagnostics criteria. Collection method: clinical testing. Allele origin: germline.

Literature cited by the submitters: PubMed 33606809 (cited by Ambry Genetics).